The following is an entry in ClinVar:

NM_020800.3(IFT80):c.301del (p.Ser101fs)

Genes: IFT80 (intraflagellar transport 80; minus strand), TRIM59-IFT80 (TRIM59-IFT80 readthrough (NMD candidate); minus strand). Cytogenetic location: 3q25.33.
Variant type: Deletion.
Coding change: c.301del on transcript NM_020800.3 (MANE Select); coding-DNA position 301, one base deleted (A; older notation c.301delA).
Protein change: p.Ser101fs; shifts the reading frame from serine 101.
Molecular consequence: frameshift variant. On other transcripts: non-coding transcript variant (2), 5 prime UTR variant (2).
Genome position (GRCh38, 1-based): chr3:160,377,499, T deleted on the plus strand (A on the coding strand, the reverse complement: IFT80 is on the minus strand); the first of 6 consecutive T bases (chr3:160,377,499-160,377,504); deleting any one gives the same sequence. VCF-style (leftmost placement, unchanged base first): chr3-160377498-CT-C. GRCh37 (hg19) VCF-style: chr3-160095286-CT-C.
Other names: c.-111del (NM_001190241.2, NM_001190242.2); short protein forms S101fs.
Identifiers: ClinVar variation 3695083 (VCV003695083.2).
Genomic context (GRCh38, chr3:160,377,498, plus strand): 5'-AATGCTGTTCCTTCATAATTCCATCTTCCTGCAAGTACTGCTCCACAGTGAGCTTCTACA[CT>C]TTTTTCCACTCTTCCTAACTTGGAAATCAGATGAAATTTACCTGAAAGAAATTACATTTG-3'

ClinVar aggregate classification (germline): Pathogenic (1 of 4 stars; one submission).

Conditions:
Jeune thoracic dystrophy. Also called: Jeune syndrome; Infantile thoracic dystrophy; Thoracic pelvic phalangeal dystrophy; Jeune's syndrome; Chondroectodermal dysplasia-like syndrome; Short-rib thoracic dysplasia. Identifiers: Orphanet 474, MedGen C0265275, MONDO:0018770.

Submission:

Labcorp Genetics (formerly Invitae), Labcorp
Classification: Pathogenic for Jeune thoracic dystrophy. Last evaluated: 2024-06-21. Review status: criteria provided, single submitter. Criteria: Invitae Variant Classification Sherloc (09022015). Collection method: clinical testing. Allele origin: germline.
Comment: This sequence change creates a premature translational stop signal (p.Ser101Valfs*2) in the IFT80 gene. It is expected to result in an absent or disrupted protein product. Loss-of-function variants in IFT80 are known to be pathogenic (PMID: 21227999, 23339108, 29068549). The frequency data for this variant in the population databases is considered unreliable, as metrics indicate poor data quality at this position in the gnomAD database. This variant has not been reported in the literature in individuals affected with IFT80-related conditions. For these reasons, this variant has been classified as Pathogenic.

Literature cited by the submitters: PubMed 21227999; PubMed 23339108; PubMed 29068549.